The following is an entry in ClinVar:

ClinVar aggregate classification (germline): Uncertain significance. Review status: criteria provided, multiple submitters, no conflicts (2 of 4 stars). 3 submissions from 3 submitters: Uncertain significance (3). Last evaluated 2024-04-20.

Conditions:
Myopathy, myofibrillar, 9, with early respiratory failure (MFM9). Also called: Myopathy, distal, with early respiratory failure, autosomal dominant; Hereditary myopathy with early respiratory failure; EDSTROM MYOPATHY; MYOPATHY, PROXIMAL, WITH EARLY RESPIRATORY MUSCLE INVOLVEMENT. Identifiers: Orphanet 178464, Orphanet 34521, MedGen C1863599, MONDO:0011362, OMIM 603689.
Dilated cardiomyopathy 1G (CMD1G). Identifiers: Orphanet 154, MedGen C1858763, MONDO:0011400, OMIM 604145.
Hypertrophic cardiomyopathy 9. Also called: Familial hypertrophic cardiomyopathy 9. Identifiers: MedGen C1861065, MONDO:0013412, OMIM 613765.
Early-onset myopathy with fatal cardiomyopathy (CMYO5). Also called: CONGENITAL MYOPATHY 5 WITH CARDIOMYOPATHY; Salih Myopathy. Identifiers: Orphanet 289377, MedGen C2673677, MONDO:0012714, OMIM 611705. Disease mechanism: loss of function.
Tibial muscular dystrophy (TMD). Also called: Tibial muscular dystrophy, tardive; Udd Distal Myopathy – Tibial Muscular Dystrophy; UDD MYOPATHY. Identifiers: Orphanet 609, MedGen C1838244, MONDO:0010870, OMIM 600334.
Autosomal recessive limb-girdle muscular dystrophy type 2J (LGMDR10). Also called: MUSCULAR DYSTROPHY, LIMB-GIRDLE, AUTOSOMAL RECESSIVE 10; Limb-girdle muscular dystrophy, type 2J. Identifiers: Orphanet 140922, MedGen C1837342, MONDO:0012127, OMIM 608807.

Allele frequency attached by ClinVar (database versions not stated): TOPMed 0.00001.
gnomAD v4.1: 1 of 1,613,924 alleles (0.000062%); highest among the groups gnomAD compares: Admixed American, 0.0017%; no homozygotes.

Submissions (3):

Labcorp Genetics (formerly Invitae), Labcorp
Classification: Uncertain significance for Dilated cardiomyopathy 1G; Autosomal recessive limb-girdle muscular dystrophy type 2J. Last evaluated: 2024-04-20. Review status: criteria provided, single submitter. Criteria: Invitae Variant Classification Sherloc (09022015). Collection method: clinical testing. Allele origin: germline.
Comment: This sequence change replaces arginine, which is basic and polar, with serine, which is neutral and polar, at codon 34680 of the TTN protein (p.Arg34680Ser). This variant is present in population databases (no rsID available, gnomAD 0.003%). This variant has not been reported in the literature in individuals affected with TTN-related conditions. ClinVar contains an entry for this variant (Variation ID: 1910900). Experimental studies and prediction algorithms are not available or were not evaluated, and the functional significance of this variant is currently unknown. This variant is located in the M band of TTN (PMID: 25589632). Non-truncating variants in this region may be relevant for neuromuscular disorders, but have not been definitively shown to cause cardiomyopathy (PMID: 23975875). In summary, the available evidence is currently insufficient to determine the role of this variant in disease. Therefore, it has been classified as a Variant of Uncertain Significance.

Fulgent Genetics
Classification: Uncertain significance for Tibial muscular dystrophy; Myopathy, myofibrillar, 9, with early respiratory failure; Dilated cardiomyopathy 1G; Autosomal recessive limb-girdle muscular dystrophy type 2J; Early-onset myopathy with fatal cardiomyopathy; Hypertrophic cardiomyopathy 9. Last evaluated: 2023-12-29. Review status: criteria provided, single submitter. Criteria: ACMG Guidelines, 2015. Collection method: clinical testing. Allele origin: germline.

Women's Health and Genetics/Laboratory Corporation of America, LabCorp
Classification: Uncertain significance. Last evaluated: 2023-02-06. Review status: criteria provided, single submitter. Criteria: LabCorp Variant Classification Summary - May 2015. Collection method: clinical testing. Allele origin: germline.
Comment: Variant summary: TTN c.96336G>C (p.Arg32112Ser) results in a non-conservative amino acid change located in the M-Band of the encoded protein sequence. Two of three in-silico tools predict a damaging effect of the variant on protein function. The variant allele was found at a frequency of 4e-06 in 249124 control chromosomes. The available data on variant occurrences in the general population are insufficient to allow any conclusion about variant significance. To our knowledge, no occurrence of c.96336G>C in individuals affected with Dilated Cardiomyopathy and no experimental evidence demonstrating its impact on protein function have been reported. No submitters have provided clinical-significance assessments for this variant to ClinVar after 2014. Based on the evidence outlined above, the variant was classified as uncertain significance.

Literature cited by the submitters: PubMed 25589632 (cited by Labcorp Genetics (formerly Invitae), Labcorp); PubMed 23975875 (cited by Labcorp Genetics (formerly Invitae), Labcorp).

NM_001267550.2(TTN):c.104040G>C (p.Arg34680Ser)

Genes: TTN (titin; minus strand), TTN-AS1 (TTN antisense RNA 1; plus strand). Cytogenetic location: 2q31.2.
Variant type: single nucleotide variant.
Coding change: c.104040G>C on transcript NM_001267550.2 (MANE Select); coding-DNA position 104040, G replaced by C.
Protein change: p.Arg34680Ser; replaces arginine 34680 with serine.
Molecular consequence: missense variant.
Genome position (GRCh38, 1-based): chr2:178,532,575, C>G on the plus strand (G>C on the coding strand, the complement: TTN is on the minus strand). VCF-style: chr2-178532575-C-G. GRCh37 (hg19) VCF-style: chr2-179397302-C-G.
Other names: c.99117G>C, p.Arg33039Ser (NM_001256850.1); c.76845G>C, p.Arg25615Ser (NM_003319.4); c.96336G>C, p.Arg32112Ser (NM_133378.4); c.77220G>C, p.Arg25740Ser (NM_133432.3); c.77421G>C, p.Arg25807Ser (NM_133437.4); short protein forms R25615S, R25740S, R34680S, R25807S, R32112S, R33039S.
Identifiers: ClinVar variation 1910900 (VCV001910900.7), dbSNP rs183041707, ClinGen allele CA349412688.
Genomic context (GRCh38, chr2:178,532,575, plus strand): 5'-AGGGCTTCGACTTGGGGGTGAAGCTGAAAAACCTAACTCAAGCTCTTCTTCAAGACGCAG[C>G]CTCTCTTCCTCTGTTCTTTTCATTGCTAAGTAGTCATCAATGGGGAGGAGTAATTCTTCA-3'
Protein context (NP_001254479.2, residues 34670-34690): YLAMKRTEEE[Arg34680Ser]LRLEEELELG